The following is an entry in ClinVar:

ClinVar aggregate classification (germline): Uncertain significance (1 of 4 stars; one submission).

Submission:

Labcorp Genetics (formerly Invitae), Labcorp
Classification: Uncertain significance. Last evaluated: 2025-07-19. Review status: criteria provided, single submitter. Criteria: Invitae Variant Classification Sherloc (09022015). Collection method: clinical testing. Allele origin: germline.
Comment: This sequence change replaces glutamic acid, which is acidic and polar, with lysine, which is basic and polar, at codon 2275 of the POLE protein (p.Glu2275Lys). This variant is not present in population databases (gnomAD no frequency). This variant has not been reported in the literature in individuals affected with POLE-related conditions. ClinVar contains an entry for this variant (Variation ID: 2120141). Invitae Evidence Modeling of protein sequence and biophysical properties (such as structural, functional, and spatial information, amino acid conservation, physicochemical variation, residue mobility, and thermodynamic stability) indicates that this missense variant is not expected to disrupt POLE protein function with a negative predictive value of 80%. In summary, the available evidence is currently insufficient to determine the role of this variant in disease. Therefore, it has been classified as a Variant of Uncertain Significance.

NM_006231.4(POLE):c.6823G>A (p.Glu2275Lys)

Gene: POLE (DNA polymerase epsilon, catalytic subunit; minus strand). Cytogenetic location: 12q24.33.
Variant type: single nucleotide variant.
Coding change: c.6823G>A on transcript NM_006231.4 (MANE Select); coding-DNA position 6823, G replaced by A.
Protein change: p.Glu2275Lys; replaces glutamic acid 2275 with lysine.
Molecular consequence: missense variant.
Genome position (GRCh38, 1-based): chr12:132,624,735, C>T on the plus strand (G>A on the coding strand, the complement: POLE is on the minus strand). VCF-style: chr12-132624735-C-T. GRCh37 (hg19) VCF-style: chr12-133201321-C-T.
Other names: short protein forms E2275K.
Identifiers: ClinVar variation 2120141 (VCV002120141.4), dbSNP rs2541831892, ClinGen allele CA387365672.